The following is an entry in ClinVar:

NM_153460.4(IL17RC):c.762+6G>A

Gene: IL17RC (interleukin 17 receptor C; plus strand). Cytogenetic location: 3p25.3.
Variant type: single nucleotide variant.
Coding change: c.762+6G>A on transcript NM_153460.4 (MANE Select); 6 bases into the intron after coding-DNA position 762, G replaced by A.
Molecular consequence: intron variant. On other transcripts: non-coding transcript variant (1).
Genome position (GRCh38, 1-based): chr3:9,924,026, G>A. VCF-style: chr3-9924026-G-A. GRCh37 (hg19) VCF-style: chr3-9965710-G-A.
Other names: c.975+6G>A (NM_153461.4); c.762+6G>A (NM_001203263.2, NM_001203264.2); c.723+45G>A (NM_001367278.1); c.717+6G>A (NM_032732.6, NM_001367280.1, NM_001203265.2 and 1 more transcripts); c.642+6G>A (NM_001367279.1).
Identifiers: ClinVar variation 4712235 (VCV004712235.1).
Genomic context (GRCh38, chr3:9,924,026, plus strand): 5'-CCTGTACTGGAATCAGGTCCAGGGCCCCCCAAAACCCCGGTGGCACAAAAACCTGGTGAG[G>A]CCTCCCCCTTCCCAAGTCCATTCCCACTGTAGGCCGATGCCTGTGCAAAGGACGCAGTGC-3'

ClinVar aggregate classification (germline): Uncertain significance (1 of 4 stars; one submission).

Conditions:
Candidiasis, familial, 9 (CANDF9). Identifiers: Orphanet 1334, MedGen C4225324, MONDO:0014642, OMIM 616445.

gnomAD v4.1: 5 of 1,613,304 alleles (0.00031%); highest among the groups gnomAD compares: Non-Finnish European, 0.00025%; no homozygotes.

Submission:

Labcorp Genetics (formerly Invitae), Labcorp
Classification: Uncertain significance for Candidiasis, familial, 9. Last evaluated: 2026-01-19. Review status: criteria provided, single submitter. Criteria: Invitae Variant Classification Sherloc (09022015). Collection method: clinical testing. Allele origin: germline.
Comment: This sequence change falls in intron 8 of the IL17RC gene. It does not directly change the encoded amino acid sequence of the IL17RC protein. It affects a nucleotide within the consensus splice site. This variant is present in population databases (rs377173896, gnomAD 0.0009%). This variant has not been reported in the literature in individuals affected with IL17RC-related conditions. Variants that disrupt the consensus splice site are a relatively common cause of aberrant splicing (PMID: 17576681, 9536098). Algorithms developed to predict the effect of sequence changes on RNA splicing suggest that this variant is not likely to affect RNA splicing. In summary, the available evidence is currently insufficient to determine the role of this variant in disease. Therefore, it has been classified as a Variant of Uncertain Significance.

Literature cited by the submitters: PubMed 17576681; PubMed 9536098.